The following is an entry in ClinVar:

ClinVar aggregate classification (germline): Uncertain significance (1 of 4 stars; one submission).

gnomAD v4.1: 2 of 1,612,828 alleles (0.00012%); highest among the groups gnomAD compares: Admixed American, 0.0033%; no homozygotes.

Submission:

GeneDx
Classification: Uncertain significance. Last evaluated: 2026-04-09. Review status: criteria provided, single submitter. Criteria: GeneDx Variant Classification Process June 2021. Collection method: clinical testing. Allele origin: germline.
Comment: Not observed at significant frequency in large population cohorts (gnomAD); In silico analysis suggests that this missense variant does not alter protein structure/function; Has not been previously published as pathogenic or benign to our knowledge

NM_020971.3(SPTBN4):c.6982G>C (p.Glu2328Gln)

Gene: SPTBN4 (spectrin beta, non-erythrocytic 4; plus strand). Cytogenetic location: 19q13.2.
Variant type: single nucleotide variant.
Coding change: c.6982G>C on transcript NM_020971.3 (MANE Select); coding-DNA position 6982, G replaced by C.
Protein change: p.Glu2328Gln; replaces glutamic acid 2328 with glutamine.
Molecular consequence: missense variant.
Genome position (GRCh38, 1-based): chr19:40,569,682, G>C. VCF-style: chr19-40569682-G-C. GRCh37 (hg19) VCF-style: chr19-41075588-G-C.
Other names: short protein forms E2328Q.
Identifiers: ClinVar variation 5018001 (VCV005018001.1).